The following is an entry in ClinVar:

ClinVar aggregate classification (germline): Likely pathogenic (1 of 4 stars; one submission).

Conditions:
Malan overgrowth syndrome (MALNS). Also called: MALAN SYNDROME; Sotos syndrome 2; NFIX-Related Malan Syndrome. Identifiers: Orphanet 420179, MedGen C3553660, MONDO:0013885, OMIM 614753.

Submission:

Neuberg Centre For Genomic Medicine, NCGM
Classification: Likely pathogenic for Malan overgrowth syndrome. Last evaluated: 2023-03-01. Review status: criteria provided, single submitter. Criteria: ACMG Guidelines, 2015. Collection method: clinical testing. Allele origin: germline. Inheritance: Autosomal dominant inheritance. Affected: yes.
Comment: The stop gain c.629T>A(p.Leu210Ter) variant has not been reported previously as a pathogenic variant nor as a benign variant, to our knowledge. The c.629T>A variant is novel (not in any individuals) in gnomAD Exomes and 1000 Genomes. This variant has not been reported to the ClinVar database. The nucleotide change c.629T>A in NFIX is predicted as conserved by GERP++ and PhyloP across 100 vertebrates. This variant is predicted to cause loss of normal protein function through protein truncation. Loss of function variants have been previously reported to be disease causing. Functional studies are required to prove pathogenicity of this variant. For these reasons, this variant has been classified as Likely Pathogenic.

NM_001365902.3(NFIX):c.629T>A (p.Leu210Ter)

Gene: NFIX (nuclear factor I X; plus strand). Cytogenetic location: 19p13.13.
Variant type: single nucleotide variant.
Coding change: c.629T>A on transcript NM_001365902.3 (MANE Select); coding-DNA position 629, T replaced by A.
Protein change: p.Leu210Ter; replaces leucine 210 with a stop codon.
Molecular consequence: nonsense.
Genome position (GRCh38, 1-based): chr19:13,073,428, T>A. VCF-style: chr19-13073428-T-A. GRCh37 (hg19) VCF-style: chr19-13184242-T-A.
Other names: c.653T>A, p.Leu218Ter (NM_001271043.2); c.605T>A, p.Leu202Ter (NM_001271044.3, NM_001378404.1); c.629T>A, p.Leu210Ter (NM_001365982.2, NM_002501.4); c.488T>A, p.Leu163Ter (NM_001365983.2); c.626T>A, p.Leu209Ter (NM_001365984.2, NM_001365985.2); c.677T>A, p.Leu226Ter (NM_001378405.1); short protein forms L163*, L202*, L209*, L210*, L218*, L226*.
Identifiers: ClinVar variation 2671677 (VCV002671677.1), dbSNP rs2512941523, ClinGen allele CA404294001.
Genomic context (GRCh38, chr19:13,073,428, plus strand): 5'-CAGGCAGCCCCCTTCTGGCCTTGTCTTGACTCACTCATCCTTTCCCCTCTTCAGGGCACT[T>A]AAGTTTCCAGGACTGTTTTGTGACTTCCGGGGTCTGGAATGTGACGGAGCTGGTGAGAGT-3'